The following is an entry in ClinVar:

ClinVar aggregate classification (germline): Conflicting classifications of pathogenicity. Review status: criteria provided, conflicting classifications (1 of 4 stars). 4 submissions from 4 submitters: Uncertain significance (1); Likely benign (2). 1 of the submissions does not count toward it. Last evaluated 2025-12-13.

Conditions:
Retinal dystrophy. Also called: Inherited retinal dystrophy. Identifiers: Orphanet 71862, MedGen C0854723, MeSH D058499, MONDO:0019118, HP:0000556.
PDE6A-related disorder. Also called: PDE6A-related condition.

Allele frequency attached by ClinVar (database versions not stated): gnomAD 0.00001; TOPMed 0.00001; ESP Exome Variant Server 0.00008; 1000 Genomes Project 30x 0.00016; 1000 Genomes Project 0.00020.
gnomAD v4.1: 137 of 1,612,794 alleles (0.0085%); highest among the groups gnomAD compares: South Asian, 0.069%; 1 homozygote.

Submissions (4):

Labcorp Genetics (formerly Invitae), Labcorp
Classification: Likely benign. Last evaluated: 2025-12-13. Review status: criteria provided, single submitter. Criteria: Invitae Variant Classification Sherloc (09022015). Collection method: clinical testing. Allele origin: germline.

Dept Of Ophthalmology, Nagoya University
Classification: Uncertain significance for Retinal dystrophy. Last evaluated: 2023-10-01. Review status: criteria provided, single submitter. Criteria: Submitter's publication. Collection method: research. Allele origin: germline. Affected: yes.

Blueprint Genetics
Classification: Likely benign. Last evaluated: 2022-09-01. Review status: criteria provided, single submitter. Criteria: ACMG Guidelines, 2015. Collection method: clinical testing. Allele origin: germline.

PreventionGenetics, part of Exact Sciences
Classification: Likely benign for PDE6A-related condition. Last evaluated: 2019-06-10. Review status: no assertion criteria provided. Collection method: clinical testing. Allele origin: germline. Not counted in ClinVar's aggregate classification.
Comment: This variant is classified as likely benign based on ACMG/AMP sequence variant interpretation guidelines (Richards et al. 2015 PMID: 25741868, with internal and published modifications).

NM_000440.3(PDE6A):c.924G>A (p.Pro308=)

Gene: PDE6A (phosphodiesterase 6A; minus strand). Cytogenetic location: 5q32.
Variant type: single nucleotide variant.
Coding change: c.924G>A on transcript NM_000440.3 (MANE Select); coding-DNA position 924, G replaced by A.
Protein change: p.Pro308=; no amino-acid change (proline 308 retained).
Molecular consequence: synonymous variant.
Genome position (GRCh38, 1-based): chr5:149,921,644, C>T on the plus strand (G>A on the coding strand, the complement: PDE6A is on the minus strand). VCF-style: chr5-149921644-C-T. GRCh37 (hg19) VCF-style: chr5-149301207-C-T.
Other names: c.924G>A (NM_000440.2); c.681G>A, p.Pro227= (NM_001410788.1).
Identifiers: ClinVar variation 2148268 (VCV002148268.8), dbSNP rs369194532, ClinGen allele CA3504892.